The following is an entry in ClinVar:

NM_199420.4(POLQ):c.4642T>A (p.Leu1548Met)

Gene: POLQ (DNA polymerase theta; minus strand). Cytogenetic location: 3q13.33.
Variant type: single nucleotide variant.
Coding change: c.4642T>A on transcript NM_199420.4 (MANE Select); coding-DNA position 4642, T replaced by A.
Protein change: p.Leu1548Met; replaces leucine 1548 with methionine.
Molecular consequence: missense variant.
Genome position (GRCh38, 1-based): chr3:121,488,289, A>T on the plus strand (T>A on the coding strand, the complement: POLQ is on the minus strand). VCF-style: chr3-121488289-A-T. GRCh37 (hg19) VCF-style: chr3-121207136-A-T.
Other names: short protein forms L1548M.
Identifiers: ClinVar variation 3308730 (VCV003308730.1).

ClinVar aggregate classification (germline): Uncertain significance (1 of 4 stars; one submission).

Submission:

Ambry Genetics
Classification: Uncertain significance. Last evaluated: 2024-06-13. Review status: criteria provided, single submitter. Criteria: Ambry Variant Classification Scheme 2023. Collection method: clinical testing. Allele origin: germline.
Comment: The p.L1548M variant (also known as c.4642T>A), located in coding exon 16 of the POLQ gene, results from a T to A substitution at nucleotide position 4642. The leucine at codon 1548 is replaced by methionine, an amino acid with highly similar properties. This amino acid position is conserved. In addition, this alteration is predicted to be tolerated by in silico analysis. Based on the available evidence, the clinical significance of this variant remains unclear.